The following is an entry in ClinVar:

ClinVar aggregate classification (germline): Uncertain significance (1 of 4 stars; one submission).

Conditions:
DICER1-related tumor predisposition. Also called: DICER1 syndrome; DICER1-related pleuropulmonary blastoma cancer predisposition syndrome. Identifiers: Orphanet 284343, MedGen C3839822, MONDO:0100216.

Submission:

Labcorp Genetics (formerly Invitae), Labcorp
Classification: Uncertain significance for DICER1-related tumor predisposition. Last evaluated: 2025-06-01. Review status: criteria provided, single submitter. Criteria: Invitae Variant Classification Sherloc (09022015). Collection method: clinical testing. Allele origin: germline.
Comment: This sequence change replaces aspartic acid, which is acidic and polar, with histidine, which is basic and polar, at codon 39 of the DICER1 protein (p.Asp39His). This variant is not present in population databases (gnomAD no frequency). This variant has not been reported in the literature in individuals affected with DICER1-related conditions. ClinVar contains an entry for this variant (Variation ID: 1975029). Invitae Evidence Modeling of protein sequence and biophysical properties (such as structural, functional, and spatial information, amino acid conservation, physicochemical variation, residue mobility, and thermodynamic stability) indicates that this missense variant is not expected to disrupt DICER1 protein function with a negative predictive value of 95%. In summary, the available evidence is currently insufficient to determine the role of this variant in disease. Therefore, it has been classified as a Variant of Uncertain Significance.

NM_177438.3(DICER1):c.115G>C (p.Asp39His)

Gene: DICER1 (dicer 1, ribonuclease III; minus strand). Cytogenetic location: 14q32.13.
Variant type: single nucleotide variant.
Coding change: c.115G>C on transcript NM_177438.3 (MANE Select); coding-DNA position 115, G replaced by C.
Protein change: p.Asp39His; replaces aspartic acid 39 with histidine.
Molecular consequence: missense variant. On other transcripts: 5 prime UTR variant (8), non-coding transcript variant (6), intron variant (1).
Genome position (GRCh38, 1-based): chr14:95,133,344, C>G on the plus strand (G>C on the coding strand, the complement: DICER1 is on the minus strand). VCF-style: chr14-95133344-C-G. GRCh37 (hg19) VCF-style: chr14-95599681-C-G.
Other names: c.115G>C, p.Asp39His (NM_001195573.1, NM_001271282.3, NM_001291628.2 and 15 more transcripts); c.-160G>C (NM_001395686.1, NM_001395688.1, NM_001395689.1 and 3 more transcripts); c.-344G>C (NM_001395691.1); c.-1454G>C (NM_001395697.1); c.-130-667G>C (NM_001395687.1); short protein forms D39H.
Identifiers: ClinVar variation 1975029 (VCV001975029.5), dbSNP rs1595468657, ClinGen allele CA390890439.